The following is an entry in ClinVar:

ClinVar aggregate classification (germline): Uncertain significance (1 of 4 stars; one submission).

Conditions:
Juvenile polyposis syndrome (JPS). Identifiers: Orphanet 2929, MedGen C0345893, MONDO:0017380, OMIM 174900.

Submission:

Labcorp Genetics (formerly Invitae), Labcorp
Classification: Uncertain significance for Juvenile polyposis syndrome. Last evaluated: 2024-06-06. Review status: criteria provided, single submitter. Criteria: Invitae Variant Classification Sherloc (09022015). Collection method: clinical testing. Allele origin: germline.
Comment: This sequence change replaces phenylalanine, which is neutral and non-polar, with leucine, which is neutral and non-polar, at codon 214 of the SMAD4 protein (p.Phe214Leu). This variant is not present in population databases (gnomAD no frequency). This variant has not been reported in the literature in individuals affected with SMAD4-related conditions. ClinVar contains an entry for this variant (Variation ID: 1057284). Advanced modeling of protein sequence and biophysical properties (such as structural, functional, and spatial information, amino acid conservation, physicochemical variation, residue mobility, and thermodynamic stability) performed at Invitae indicates that this missense variant is not expected to disrupt SMAD4 protein function with a negative predictive value of 95%. In summary, the available evidence is currently insufficient to determine the role of this variant in disease. Therefore, it has been classified as a Variant of Uncertain Significance.

NM_005359.6(SMAD4):c.642T>G (p.Phe214Leu)

Gene: SMAD4 (SMAD family member 4; plus strand). Cytogenetic location: 18q21.2.
Variant type: single nucleotide variant.
Coding change: c.642T>G on transcript NM_005359.6 (MANE Select); coding-DNA position 642, T replaced by G.
Protein change: p.Phe214Leu; replaces phenylalanine 214 with leucine.
Molecular consequence: missense variant.
Genome position (GRCh38, 1-based): chr18:51,054,968, T>G. VCF-style: chr18-51054968-T-G. GRCh37 (hg19) VCF-style: chr18-48581338-T-G.
Other names: short protein forms F214L.
Identifiers: ClinVar variation 1057284 (VCV001057284.7), dbSNP rs1281575334, ClinGen allele CA402461277.
Genomic context (GRCh38, chr18:51,054,968, plus strand): 5'-ATACAGCACCCCAGCTCTGTTAGCCCCATCTGAGTCTAATGCTACCAGCACTGCCAACTT[T>G]CCCAACATTCCTGTGGCTTCCACAAGTGAGTTCTAGAATCAGATGTAGTCAGCAAGTTGA-3'
Protein context (NP_005350.1, residues 204-224): SESNATSTAN[Phe214Leu]PNIPVASTSQ